The following is an entry in ClinVar:

NM_016306.6(DNAJB11):c.866G>A (p.Arg289Gln)

Gene: DNAJB11 (DnaJ heat shock protein family (Hsp40) member B11; plus strand). Cytogenetic location: 3q27.3.
Variant type: single nucleotide variant.
Coding change: c.866G>A on transcript NM_016306.6 (MANE Select); coding-DNA position 866, G replaced by A.
Protein change: p.Arg289Gln; replaces arginine 289 with glutamine.
Molecular consequence: missense variant. On other transcripts: non-coding transcript variant (6).
Genome position (GRCh38, 1-based): chr3:186,584,443, G>A. VCF-style: chr3-186584443-G-A. GRCh37 (hg19) VCF-style: chr3-186302232-G-A.
Other names: c.866G>A (NM_016306.5); c.590G>A, p.Arg197Gln (NM_001378451.1); short protein forms R289Q, R197Q.
Identifiers: ClinVar variation 1940548 (VCV001940548.7), dbSNP rs758228321, ClinGen allele CA2744608.

ClinVar aggregate classification (germline): Uncertain significance. Review status: criteria provided, multiple submitters, no conflicts (2 of 4 stars). 2 submissions from 2 submitters: Uncertain significance (2). Last evaluated 2026-06-10.

Conditions:
DNAJB11-related disorder. Also called: DNAJB11-related condition.

Allele frequency attached by ClinVar (database versions not stated): ExAC 0.00001; gnomAD 0.00001; gnomAD exomes 0.00001; TOPMed 0.00002.
gnomAD v4.1: 10 of 1,553,496 alleles (0.00064%); highest among the groups gnomAD compares: East Asian, 0.012%; no homozygotes.

Submissions (3):

PreventionGenetics, part of Exact Sciences
Classification: Uncertain significance for DNAJB11-related condition. Last evaluated: 2026-06-10. Review status: criteria provided, single submitter. Criteria: ACMG Guidelines, 2015. Collection method: clinical testing. Allele origin: germline.
Comment: The DNAJB11 c.866G>A variant is predicted to result in the amino acid substitution p.Arg289Gln. To our knowledge, this variant has not been reported in the literature. This variant is reported in 0.0066% of alleles in individuals of East Asian descent in gnomAD. At this time, the clinical significance of this variant is uncertain due to the absence of conclusive functional and genetic evidence.

Labcorp Genetics (formerly Invitae), Labcorp
Classification: Uncertain significance. Last evaluated: 2024-11-11. Review status: criteria provided, single submitter. Criteria: Invitae Variant Classification Sherloc (09022015). Collection method: clinical testing. Allele origin: germline.
Comment: This sequence change replaces arginine, which is basic and polar, with glutamine, which is neutral and polar, at codon 289 of the DNAJB11 protein (p.Arg289Gln). This variant is present in population databases (rs758228321, gnomAD 0.007%). This variant has not been reported in the literature in individuals affected with DNAJB11-related conditions. ClinVar contains an entry for this variant (Variation ID: 1940548). Invitae Evidence Modeling of protein sequence and biophysical properties (such as structural, functional, and spatial information, amino acid conservation, physicochemical variation, residue mobility, and thermodynamic stability) indicates that this missense variant is not expected to disrupt DNAJB11 protein function with a negative predictive value of 80%. In summary, the available evidence is currently insufficient to determine the role of this variant in disease. Therefore, it has been classified as a Variant of Uncertain Significance.

Dr. Peter K. Rogan Lab, Western University
No classification provided (evidence only). Condition: Gastric cancer. Review status: no classification provided. Collection method: in vitro. Allele origin: not applicable. Functional consequence: retained intron. Not counted in ClinVar's aggregate classification.